The following is an entry in ClinVar:

ClinVar aggregate classification (germline): Uncertain significance. Review status: criteria provided, multiple submitters, no conflicts (2 of 4 stars). 4 submissions from 4 submitters: Uncertain significance (4). Last evaluated 2023-05-23.

Conditions:
Autosomal recessive ataxia, Beauce type. Also called: Spinocerebellar ataxia, autosomal recessive 8; ATAXIA, RECESSIVE, OF BEAUCE; SYNE1 Deficiency; SYNE1-Related Autosomal Recessive Cerebellar Ataxia. Identifiers: Orphanet 88644, MedGen C1853116, MONDO:0012549, OMIM 610743.
Emery-Dreifuss muscular dystrophy 4, autosomal dominant (EDMD4). Also called: EMERY-DREIFUSS MUSCULAR DYSTROPHY 4 WITH VARIABLE FEATURES. Identifiers: Orphanet 261, MedGen C2751807, MONDO:0013071, OMIM 612998.

Allele frequency attached by ClinVar (database versions not stated): TOPMed below 0.00001; gnomAD exomes 0.00005; ExAC 0.00008.
gnomAD v4.1: 46 of 1,614,044 alleles (0.0028%); highest among the groups gnomAD compares: South Asian, 0.016%; no homozygotes.

Submissions (4):

Labcorp Genetics (formerly Invitae), Labcorp
Classification: Uncertain significance for Emery-Dreifuss muscular dystrophy 4, autosomal dominant; Autosomal recessive ataxia, Beauce type. Last evaluated: 2023-05-23. Review status: criteria provided, single submitter. Criteria: Invitae Variant Classification Sherloc (09022015). Collection method: clinical testing. Allele origin: germline.
Comment: This sequence change replaces arginine, which is basic and polar, with cysteine, which is neutral and slightly polar, at codon 1341 of the SYNE1 protein (p.Arg1341Cys). This variant is present in population databases (rs754120599, gnomAD 0.02%). This variant has not been reported in the literature in individuals affected with SYNE1-related conditions. ClinVar contains an entry for this variant (Variation ID: 286913). An algorithm developed to predict the effect of missense changes on protein structure and function (PolyPhen-2) suggests that this variant¬¨‚Ä† is likely to be tolerated. In summary, the available evidence is currently insufficient to determine the role of this variant in disease. Therefore, it has been classified as a Variant of Uncertain Significance.

GeneDx
Classification: Uncertain significance. Last evaluated: 2021-03-11. Review status: criteria provided, single submitter. Criteria: GeneDx Variant Classification Process June 2021. Collection method: clinical testing. Allele origin: germline. Affected: yes.
Comment: Has not been previously published as pathogenic or benign to our knowledge

Victorian Clinical Genetics Services, Murdoch Childrens Research Institute
Classification: Uncertain significance for Autosomal recessive ataxia, Beauce type. Last evaluated: 2020-05-26. Review status: criteria provided, single submitter. Criteria: ACMG Guidelines, 2015. Collection method: clinical testing. Allele origin: germline. Inheritance: Autosomal recessive inheritance. Affected: yes.
Comment: Based on the classification scheme VCGS_Germline_v1.1.1, this variant is classified as 3B - VUS. Following criteria are met: 0102 - Loss-of-function is a known mechanism of disease for this gene. (N) 0104 - Dominant Negative is a mechanism of disease for this gene. (N) 0108 - This gene is known to be associated with both recessive and dominant disease (OMIM). (N) 0200 - Variant is predicted to result in a missense amino acid change from arginine to cysteine (exon 31). (N) 0251 - Variant is heterozygous. (N) 0304 - Variant is present in gnomAD <0.01 for a recessive condition (13 heterozygotes, 0 homozygotes). (P) 0502 - Missense variant with conflicting in-silico predictions and/or uninformative conservation. (N) 0600 - Variant is located in an annotated domain or motif (SMB B super family; NCBI). (N) 0705 - No comparable variants have previous evidence for pathogenicity. (N) 0804 - Variant has previously been described as variant of uncertain significance (ClinVar). (N) 0905 - No segregation evidence has been identified for this variant. (N) 1007 - No published functional evidence has been identified for this variant. (N) Legend: (P) - Pathogenic, (N) - Neutral, (B) - Benign

Eurofins Ntd Llc (ga)
Classification: Uncertain significance. Last evaluated: 2016-03-18. Review status: criteria provided, single submitter. Criteria: EGL Classification Definitions 2015. Collection method: clinical testing. Allele origin: germline. Observed: 1 variant allele, 1 heterozygote.

NM_182961.4(SYNE1):c.4000C>T (p.Arg1334Cys)

Gene: SYNE1 (spectrin repeat containing nuclear envelope protein 1; minus strand). Cytogenetic location: 6q25.2.
Variant type: single nucleotide variant.
Coding change: c.4000C>T on transcript NM_182961.4 (MANE Select); coding-DNA position 4000, C replaced by T.
Protein change: p.Arg1334Cys; replaces arginine 1334 with cysteine.
Molecular consequence: missense variant.
Genome position (GRCh38, 1-based): chr6:152,442,083, G>A on the plus strand (C>T on the coding strand, the complement: SYNE1 is on the minus strand). VCF-style: chr6-152442083-G-A. GRCh37 (hg19) VCF-style: chr6-152763218-G-A.
Other names: c.4021C>T, p.Arg1341Cys (NM_033071.5); c.4000C>T (NM_182961.3); short protein forms R1341C, R1334C.
Identifiers: ClinVar variation 286913 (VCV000286913.13), dbSNP rs754120599, ClinGen allele CA4058685.